The following is an entry in ClinVar:

NM_181552.4(CUX1):c.4137del (p.Thr1380fs)

Gene: CUX1 (cut like homeobox 1; plus strand). Cytogenetic location: 7q22.1.
Variant type: Deletion.
Coding change: c.4137del on transcript NM_181552.4 (MANE Select); coding-DNA position 4137, one base deleted (G; older notation c.4137delG).
Protein change: p.Thr1380fs; shifts the reading frame from threonine 1380.
Molecular consequence: frameshift variant. On other transcripts: intron variant (5).
Genome position (GRCh38, 1-based): chr7:102,248,661, G deleted; the last of 4 consecutive G bases (chr7:102,248,658-102,248,661); deleting any one gives the same sequence. VCF-style (leftmost placement, unchanged base first): chr7-102248657-CG-C. GRCh37 (hg19) VCF-style: chr7-101891937-CG-C.
Other names: c.4170del, p.Thr1391fs (NM_001202543.2); c.1256-24705del (NM_001913.5); c.1250-24705del (NM_181500.4); c.1118-24705del (NM_001202545.3); c.1208-24705del (NM_001202544.3); c.1139-24705del (NM_001202546.3); short protein forms T1380fs, T1391fs.
Identifiers: ClinVar variation 4685260 (VCV004685260.2).
Genomic context (GRCh38, chr7:102,248,657, plus strand): 5'-AGGGAGAGGCCGAGCGGGAGGAGGTGCCGCGGCCGGCGGAGCAGACGGAGCCGCCGCCCT[CG>C]GGGACCCCGGGCCCGGACGACGCCCGCGACGACGACCACGAGGGAGGCCCCGTGGAAGGC-3'

ClinVar aggregate classification (germline): Uncertain significance (1 of 4 stars; one submission).

Submission:

GeneDx
Classification: Uncertain significance. Last evaluated: 2026-04-27. Review status: criteria provided, single submitter. Criteria: GeneDx Variant Classification Process June 2021. Collection method: clinical testing. Allele origin: germline.
Comment: Not observed at significant frequency in large population cohorts (gnomAD); Frameshift variant predicted to result in abnormal protein length as the last 126 amino acids are replaced with 104 different amino acids; Has not been previously published as pathogenic or benign to our knowledge